The following is an entry in ClinVar:

ClinVar aggregate classification (germline): Benign/Likely benign. Review status: criteria provided, multiple submitters, no conflicts (2 of 4 stars). 4 submissions from 4 submitters: Benign (3); Likely benign (1). Last evaluated 2026-01-12.

Conditions:
Joubert syndrome 21 (JBTS21). Identifiers: MedGen C3810212, MONDO:0014288, OMIM 615636.

Submissions (4):

Labcorp Genetics (formerly Invitae), Labcorp
Classification: Benign for Joubert syndrome 21. Last evaluated: 2026-01-12. Review status: criteria provided, single submitter. Criteria: Invitae Variant Classification Sherloc (09022015). Collection method: clinical testing. Allele origin: germline.

Blueprint Genetics
Classification: Likely benign. Last evaluated: 2024-11-27. Review status: criteria provided, single submitter. Criteria: ACMG Guidelines, 2015. Collection method: clinical testing. Allele origin: germline.

GeneDx
Classification: Benign. Last evaluated: 2018-05-17. Review status: criteria provided, single submitter. Criteria: GeneDx Variant Classification Process June 2021. Collection method: clinical testing. Allele origin: germline. Affected: yes.

Laboratory for Molecular Medicine, Mass General Brigham Personalized Medicine
Classification: Benign. Last evaluated: 2016-03-29. Review status: criteria provided, single submitter. Criteria: LMM Criteria. Collection method: clinical testing. Allele origin: germline.
Comment: Variant identified in a genome or exome case(s) and assessed due to predicted null impact of the variant or pathogenic assertions in the literature or databases. Disclaimer: This variant has not undergone full assessment. The following are preliminary notes: Frequency

NM_001382391.1(CSPP1):c.2128+36del

Gene: CSPP1 (centrosome and spindle pole associated protein 1; plus strand). Cytogenetic location: 8q13.2.
Variant type: Deletion.
Coding change: c.2128+36del on transcript NM_001382391.1 (MANE Select); 36 bases into the intron after coding-DNA position 2128, one base deleted (T; older notation c.2128+36delT).
Molecular consequence: intron variant.
Genome position (GRCh38, 1-based): chr8:67,149,971, T deleted; the last of 24 consecutive T bases (chr8:67,149,948-67,149,971); deleting any one gives the same sequence. VCF-style (leftmost placement, unchanged base first): chr8-67149947-CT-C. GRCh37 (hg19) VCF-style: chr8-68062182-CT-C.
Other names: c.2113+36delT (NM_024790.6); c.2113+13delT (NM_024790.6); c.1934-4053del (NM_001363132.2); c.2047+36del (NM_001363131.2); c.1853-4053del (NM_001363133.2); c.2194+36del (NM_001364869.1); c.2113+36del (NM_024790.7, NM_001438331.1); c.1961-4053del (NM_001438330.1); and 3 more.
Identifiers: ClinVar variation 402568 (VCV000402568.14), dbSNP rs11296619, ClinGen allele CA4770742.